The following is an entry in ClinVar:

NM_002295.6(RPSA):c.706C>T (p.Pro236Ser)

Gene: RPSA (ribosomal protein SA; plus strand). Cytogenetic location: 3p22.1.
Variant type: single nucleotide variant.
Coding change: c.706C>T on transcript NM_002295.6 (MANE Select); coding-DNA position 706, C replaced by T.
Protein change: p.Pro236Ser; replaces proline 236 with serine.
Molecular consequence: missense variant.
Genome position (GRCh38, 1-based): chr3:39,411,974, C>T. VCF-style: chr3-39411974-C-T. GRCh37 (hg19) VCF-style: chr3-39453465-C-T.
Other names: c.721C>T, p.Pro241Ser (NM_001304288.2); short protein forms P236S, P241S.
Identifiers: ClinVar variation 1349805 (VCV001349805.8), dbSNP rs780597250, ClinGen allele CA2327905.

ClinVar aggregate classification (germline): Uncertain significance (1 of 4 stars; one submission).

Allele frequency attached by ClinVar (database versions not stated): gnomAD exomes below 0.00001 and 0.00001; ExAC 0.00001; gnomAD 0.00001; TOPMed 0.00001.
gnomAD v4.1: 5 of 1,601,974 alleles (0.00031%); highest among the groups gnomAD compares: African/African-American, 0.004%; no homozygotes.

Submission:

Labcorp Genetics (formerly Invitae), Labcorp
Classification: Uncertain significance. Last evaluated: 2021-04-28. Review status: criteria provided, single submitter. Criteria: Invitae Variant Classification Sherloc (09022015). Collection method: clinical testing. Allele origin: germline.
Comment: In summary, the available evidence is currently insufficient to determine the role of this variant in disease. Therefore, it has been classified as a Variant of Uncertain Significance. This variant is present in population databases (rs780597250, ExAC 0.01%). This variant has not been reported in the literature in individuals with RPSA-related conditions. This sequence change replaces proline with serine at codon 236 of the RPSA protein (p.Pro236Ser). The proline residue is moderately conserved and there is a moderate physicochemical difference between proline and serine. Algorithms developed to predict the effect of missense changes on protein structure and function (SIFT, PolyPhen-2, Align-GVGD) all suggest that this variant is likely to be tolerated, but these predictions have not been confirmed by published functional studies and their clinical significance is uncertain.